The following is an entry in ClinVar:

ClinVar aggregate classification (germline): Uncertain significance (1 of 4 stars; one submission).

Submission:

Labcorp Genetics (formerly Invitae), Labcorp
Classification: Uncertain significance. Last evaluated: 2021-02-10. Review status: criteria provided, single submitter. Criteria: Invitae Variant Classification Sherloc (09022015). Collection method: clinical testing. Allele origin: germline.
Comment: In summary, the available evidence is currently insufficient to determine the role of this variant in disease. Therefore, it has been classified as a Variant of Uncertain Significance. Algorithms developed to predict the effect of missense changes on protein structure and function are either unavailable or do not agree on the potential impact of this missense change (SIFT: "Tolerated"; PolyPhen-2: "Probably Damaging"; Align-GVGD: "Class C0"). This variant has not been reported in the literature in individuals with HSPG2-related conditions. This variant is not present in population databases (ExAC no frequency). This sequence change replaces glutamic acid with lysine at codon 1008 of the HSPG2 protein (p.Glu1008Lys). The glutamic acid residue is moderately conserved and there is a small physicochemical difference between glutamic acid and lysine.

NM_005529.7(HSPG2):c.3022G>A (p.Glu1008Lys)

Gene: HSPG2 (heparan sulfate proteoglycan 2; minus strand). Cytogenetic location: 1p36.12.
Variant type: single nucleotide variant.
Coding change: c.3022G>A on transcript NM_005529.7 (MANE Select); coding-DNA position 3022, G replaced by A.
Protein change: p.Glu1008Lys; replaces glutamic acid 1008 with lysine.
Molecular consequence: missense variant.
Genome position (GRCh38, 1-based): chr1:21,876,024, C>T on the plus strand (G>A on the coding strand, the complement: HSPG2 is on the minus strand). VCF-style: chr1-21876024-C-T. GRCh37 (hg19) VCF-style: chr1-22202517-C-T.
Other names: c.3025G>A, p.Glu1009Lys (NM_001291860.2); short protein forms E1008K, E1009K.
Identifiers: ClinVar variation 1508730 (VCV001508730.8), dbSNP rs1248576394, ClinGen allele CA338962471.